The following is an entry in ClinVar:

NM_032380.5(GFM2):c.1885A>G (p.Asn629Asp)

Gene: GFM2 (GTP dependent ribosome recycling factor mitochondrial 2; minus strand). Cytogenetic location: 5q13.3.
Variant type: single nucleotide variant.
Coding change: c.1885A>G on transcript NM_032380.5 (MANE Select); coding-DNA position 1885, A replaced by G.
Protein change: p.Asn629Asp; replaces asparagine 629 with aspartic acid.
Molecular consequence: missense variant. On other transcripts: non-coding transcript variant (1).
Genome position (GRCh38, 1-based): chr5:74,725,968, T>C on the plus strand (A>G on the coding strand, the complement: GFM2 is on the minus strand). VCF-style: chr5-74725968-T-C. GRCh37 (hg19) VCF-style: chr5-74021793-T-C.
Other names: c.1981A>G, p.Asn661Asp (NM_001281302.2); c.1744A>G, p.Asn582Asp (NM_170691.3); short protein forms N629D, N661D, N582D.
Identifiers: ClinVar variation 2168944 (VCV002168944.5), dbSNP rs116684547, ClinGen allele CA3306419.
Genomic context (GRCh38, chr5:74,725,968, plus strand): 5'-ATACTAATGCTTACTCTCATTTGAGTGTCTTACCTTGGAGACATGCGCTGTGAATTCCAT[T>C]TTCAATGGCCTCTTGGGAGACCTTCAAAAGGCCTTCATTGATACTTTCAGCATACTCAAA-3'
Protein context (NP_115756.2, residues 619-639): LLKVSQEAIE[Asn629Asp]GIHSACLQGP

ClinVar aggregate classification (germline): Conflicting classifications of pathogenicity. Review status: criteria provided, conflicting classifications (1 of 4 stars). 2 submissions from 2 submitters: Uncertain significance (1); Likely benign (1). Last evaluated 2026-08-06.

Conditions:
Combined oxidative phosphorylation deficiency 39. Identifiers: Orphanet 565624, MedGen C5193075, MONDO:0032726, OMIM 618397.

Allele frequency attached by ClinVar (database versions not stated): gnomAD exomes 0.00007; ESP Exome Variant Server 0.00108; gnomAD 0.00078; 1000 Genomes Project 0.00080; TOPMed 0.00077; 1000 Genomes Project 30x 0.00078; ExAC 0.00029.
gnomAD v4.1: 239 of 1,611,318 alleles (0.015%); highest among the groups gnomAD compares: African/African-American, 0.28%; no homozygotes.

Submissions (2):

OLLIN Analises Genomicas, OLLIN
Classification: Uncertain significance for Combined oxidative phosphorylation deficiency 39. Last evaluated: 2026-08-06. Review status: criteria provided, single submitter. Criteria: ACMG Guidelines 2015 PMID 25741868. Collection method: clinical testing. Allele origin: germline. Inheritance: Autosomal recessive inheritance.
Comment: This missense variant, located in exon 18 (of 21), has been reported in ClinVar (accession VCV002168944.4) and in gnomAD with an allele frequency of 0.015%. However, to our knowledge, it has not been reported in the scientific literature. In silico analysis predicts that this variant has a tolerated effect. According to the currently available evidence, this variant has been classified as uncertain significance (PM2_P, BP4_M).

Labcorp Genetics (formerly Invitae), Labcorp
Classification: Likely benign. Last evaluated: 2025-12-23. Review status: criteria provided, single submitter. Criteria: Invitae Variant Classification Sherloc (09022015). Collection method: clinical testing. Allele origin: germline.